The following is an entry in ClinVar:

ClinVar aggregate classification (germline): Uncertain significance (1 of 4 stars; one submission).

Submission:

Dasa
Classification: Uncertain significance. Last evaluated: 2025-10-09. Review status: criteria provided, single submitter. Criteria: DASA Assertion Criteria. Collection method: clinical testing. Allele origin: germline.
Comment: NM_001395159.1(UNC79):c.7210A>T (p.Met2404Leu) is a missense variant that results in the substitution of methionine with leucine. This variant is absent from population databases. The currently available literature and clinical evidence are not sufficient to establish a definitive association between this variant and the reported condition. Therefore, this variant is classified as a variant of uncertain significance.

NM_001395159.1(UNC79):c.7210A>T (p.Met2404Leu)

Gene: UNC79 (unc-79 subunit of NALCN channel complex; plus strand). Cytogenetic location: 14q32.12.
Variant type: single nucleotide variant.
Coding change: c.7210A>T on transcript NM_001395159.1 (MANE Select); coding-DNA position 7210, A replaced by T.
Protein change: p.Met2404Leu; replaces methionine 2404 with leucine.
Molecular consequence: missense variant.
Genome position (GRCh38, 1-based): chr14:93,686,629, A>T. VCF-style: chr14-93686629-A-T. GRCh37 (hg19) VCF-style: chr14-94152975-A-T.
Other names: c.7144A>T, p.Met2382Leu (NM_001346218.2); c.6463A>T, p.Met2155Leu (NM_020818.5); short protein forms M2155L, M2382L, M2404L.
Identifiers: ClinVar variation 5020836 (VCV005020836.1).